The following is an entry in ClinVar:

ClinVar aggregate classification (germline): Uncertain significance (1 of 4 stars; one submission).

Conditions:
Gastrointestinal stromal tumor. Also called: Gastrointestinal stroma tumor; Gastrointestinal stromal tumor, somatic. Identifiers: Orphanet 44890, MedGen C0238198, MeSH D046152, MONDO:0011719, OMIM 606764, HP:0100723.

Submission:

Labcorp Genetics (formerly Invitae), Labcorp
Classification: Uncertain significance for Gastrointestinal stromal tumor. Last evaluated: 2021-05-18. Review status: criteria provided, single submitter. Criteria: Invitae Variant Classification Sherloc (09022015). Collection method: clinical testing. Allele origin: germline.
Comment: This variant has not been reported in the literature in individuals with KIT-related conditions. This variant is not present in population databases (ExAC no frequency). This sequence change replaces serine with glycine at codon 220 of the KIT protein (p.Ser220Gly). The serine residue is moderately conserved and there is a small physicochemical difference between serine and glycine. In summary, the available evidence is currently insufficient to determine the role of this variant in disease. Therefore, it has been classified as a Variant of Uncertain Significance. Algorithms developed to predict the effect of sequence changes on RNA splicing suggest that this variant may create or strengthen a splice site, but this prediction has not been confirmed by published transcriptional studies. Algorithms developed to predict the effect of missense changes on protein structure and function (SIFT, PolyPhen-2, Align-GVGD) all suggest that this variant is likely to be tolerated, but these predictions have not been confirmed by published functional studies and their clinical significance is uncertain.

NM_000222.3(KIT):c.658A>G (p.Ser220Gly)

Gene: KIT (KIT proto-oncogene, receptor tyrosine kinase; plus strand). Cytogenetic location: 4q12.
Variant type: single nucleotide variant.
Coding change: c.658A>G on transcript NM_000222.3 (MANE Select); coding-DNA position 658, A replaced by G.
Protein change: p.Ser220Gly; replaces serine 220 with glycine.
Molecular consequence: missense variant.
Genome position (GRCh38, 1-based): chr4:54,699,668, A>G. VCF-style: chr4-54699668-A-G. GRCh37 (hg19) VCF-style: chr4-55565834-A-G.
Other names: c.658A>G, p.Ser220Gly (NM_001093772.2, NM_001385284.1, NM_001385285.1 and 4 more transcripts); short protein forms S220G.
Identifiers: ClinVar variation 1460672 (VCV001460672.8), dbSNP rs1060502549, ClinGen allele CA356898221.
Genomic context (GRCh38, chr4:54,699,668, plus strand): 5'-GCCACATTTCTTTTCATTCTAGCCTTCAAAGCTGTGCCTGTTGTGTCTGTGTCCAAAGCA[A>G]GCTATCTTCTTAGGGAAGGGGAAGAATTCACAGTGACGTGCACAATAAAAGATGTGTCTA-3'
Protein context (NP_000213.1, residues 210-230): AVPVVSVSKA[Ser220Gly]YLLREGEEFT